The following is an entry in ClinVar:

NM_007294.4(BRCA1):c.4043G>T (p.Gly1348Val)

Genes: BRCA1 (BRCA1 DNA repair associated; minus strand), LOC126862571 (BRD4-independent group 4 enhancer GRCh37_chr17:41243136-41244335; plus strand). Cytogenetic location: 17q21.31.
Variant type: single nucleotide variant.
Coding change: c.4043G>T on transcript NM_007294.4 (MANE Select); coding-DNA position 4043, G replaced by T.
Protein change: p.Gly1348Val; replaces glycine 1348 with valine.
Molecular consequence: missense variant. On other transcripts: intron variant (135).
Genome position (GRCh38, 1-based): chr17:43,091,488, C>A on the plus strand (G>T on the coding strand, the complement: BRCA1 is on the minus strand). VCF-style: chr17-43091488-C-A. GRCh37 (hg19) VCF-style: chr17-41243505-C-A.
Other names: c.3830G>T, p.Gly1277Val (NM_001407571.1, NM_001407853.1, NM_001407894.1 and 9 more transcripts); c.4043G>T, p.Gly1348Val (NM_001407581.1, NM_001407582.1, NM_001407583.1 and 30 more transcripts); c.4040G>T, p.Gly1347Val (NM_001407587.1, NM_001407590.1, NM_001407591.1 and 22 more transcripts); c.4034G>T, p.Gly1345Val (NM_001407646.1, NM_001407647.1); c.3920G>T, p.Gly1307Val (NM_001407648.1, NM_001407664.1, NM_001407665.1 and 19 more transcripts); c.3917G>T, p.Gly1306Val (NM_001407649.1, NM_001407670.1, NM_001407671.1 and 11 more transcripts); c.3965G>T, p.Gly1322Val (NM_001407653.1, NM_001407654.1, NM_001407655.1 and 4 more transcripts); c.3962G>T, p.Gly1321Val (NM_001407659.1, NM_001407660.1, NM_001407661.1 and 1 more transcripts); and 41 more; short protein forms G1220V, G1322V, G1347V, G1052V, G1221V, G1236V, G1277V, G1307V.
Identifiers: ClinVar variation 1737302 (VCV001737302.4), dbSNP rs2552109487, ClinGen allele CA10593871.
Genomic context (GRCh38, chr17:43,091,488, plus strand): 5'-CCAATACCTAAGTTTGAATCCATGCTTTGCTCTTCTTGATTATTTTCTTCCAAGCCCGTT[C>A]CTCTTTCTTCATCATCTGAAACCAATTCCTTGTCACTCAGACCAACTCCCTGGCTTTCAG-3'
Protein context (NP_009225.1, residues 1338-1358): KELVSDDEER[Gly1348Val]TGLEENNQEE

ClinVar aggregate classification (germline): Conflicting classifications of pathogenicity. Review status: criteria provided, conflicting classifications (1 of 4 stars). 2 submissions from 2 submitters: Uncertain significance (1); Likely benign (1). Last evaluated 2023-03-23.

Conditions:
Hereditary cancer-predisposing syndrome. Also called: Neoplastic Syndromes, Hereditary; Tumor predisposition; Hereditary Cancer Syndrome; Hereditary neoplastic syndrome. Identifiers: Orphanet 140162, MedGen C0027672, MeSH D009386, MONDO:0015356.

Submissions (2):

University of Washington Department of Laboratory Medicine, University of Washington
Classification: Likely benign for Hereditary cancer-predisposing syndrome. Last evaluated: 2023-03-23. Review status: criteria provided, single submitter. Criteria: Dines et al. (Genet Med. 2020). Collection method: curation. Allele origin: germline.
Comment: Missense variant in a coldspot region where missense variants are very unlikely to be pathogenic (PMID:31911673).

BRCA1 coldspot (exon 11 using historical exon numbering). Reclassification based on statistical prior probability

Ambry Genetics
Classification: Uncertain significance for Hereditary cancer-predisposing syndrome. Last evaluated: 2021-04-15. Review status: criteria provided, single submitter. Criteria: Ambry Variant Classification Scheme 2023. Collection method: clinical testing. Allele origin: germline.
Comment: The p.G1348V variant (also known as c.4043G>T), located in coding exon 9 of the BRCA1 gene, results from a G to T substitution at nucleotide position 4043. The glycine at codon 1348 is replaced by valine, an amino acid with dissimilar properties. This amino acid position is poorly conserved in available vertebrate species. In addition, the in silico prediction for this alteration is inconclusive. Since supporting evidence is limited at this time, the clinical significance of this alteration remains unclear.